The following is an entry in ClinVar:

ClinVar aggregate classification (germline): Likely benign. Review status: criteria provided, multiple submitters, no conflicts (2 of 4 stars). 3 submissions from 3 submitters: Likely benign (3). Last evaluated 2024-12-01.

Conditions:
SCAPER-related disorder. Also called: SCAPER-related condition.

gnomAD v4.1: 192 of 1,565,132 alleles (0.012%); highest among the groups gnomAD compares: Middle Eastern, 0.1%; 1 homozygote.

Submissions (3):

CeGaT Center for Human Genetics Tuebingen
Classification: Likely benign. Last evaluated: 2024-12-01. Review status: criteria provided, single submitter. Criteria: CeGaT Center For Human Genetics Tuebingen Variant Classification Criteria Version 2. Collection method: clinical testing. Allele origin: germline. Affected: yes. Observed: 1 variant allele.
Comment: SCAPER: BP4, BP7

Blueprint Genetics
Classification: Likely benign. Last evaluated: 2024-11-27. Review status: criteria provided, single submitter. Criteria: ACMG Guidelines, 2015. Collection method: clinical testing. Allele origin: germline.

PreventionGenetics, part of Exact Sciences
Classification: Likely benign for SCAPER-related condition. Last evaluated: 2024-10-31. Review status: criteria provided, single submitter. Criteria: ACMG Guidelines, 2015. Collection method: clinical testing. Allele origin: germline.
Comment: This variant is classified as likely benign based on ACMG/AMP sequence variant interpretation guidelines (Richards et al. 2015 PMID: 25741868, with internal and published modifications).

NM_020843.4(SCAPER):c.2208A>G (p.Gln736=)

Gene: SCAPER (S-phase cyclin A associated protein in the ER; minus strand). Cytogenetic location: 15q24.3.
Variant type: single nucleotide variant.
Coding change: c.2208A>G on transcript NM_020843.4 (MANE Select); coding-DNA position 2208, A replaced by G.
Protein change: p.Gln736=; no amino-acid change (glutamine 736 retained).
Molecular consequence: synonymous variant. On other transcripts: non-coding transcript variant (1).
Genome position (GRCh38, 1-based): chr15:76,705,942, T>C on the plus strand (A>G on the coding strand, the complement: SCAPER is on the minus strand). VCF-style: chr15-76705942-T-C. GRCh37 (hg19) VCF-style: chr15-76998283-T-C.
Other names: c.1470A>G, p.Gln490= (NM_001145923.2); c.2226A>G, p.Gln742= (NM_001353009.2); c.1806A>G, p.Gln602= (NM_001353010.2, NM_001353012.2); c.1824A>G, p.Gln608= (NM_001353011.2); c.2226A>G (NM_001353009.1).
Identifiers: ClinVar variation 3771126 (VCV003771126.15).